The following is an entry in ClinVar:

NM_006129.5(BMP1):c.1492G>A (p.Gly498Arg)

Genes: BMP1 (bone morphogenetic protein 1; plus strand), LOC113788269 (BRD4-independent group 4 enhancer GRCh37_chr8:22052064-22053263; plus strand). Cytogenetic location: 8p21.3.
Variant type: single nucleotide variant.
Coding change: c.1492G>A on transcript NM_006129.5 (MANE Select); coding-DNA position 1492, G replaced by A.
Protein change: p.Gly498Arg; replaces glycine 498 with arginine.
Molecular consequence: missense variant. On other transcripts: non-coding transcript variant (2).
Genome position (GRCh38, 1-based): chr8:22,194,772, G>A. VCF-style: chr8-22194772-G-A. GRCh37 (hg19) VCF-style: chr8-22052285-G-A.
Other names: c.1492G>A (NM_006129.4); c.1492G>A, p.Gly498Arg (NM_001199.4); short protein forms G498R.
Identifiers: ClinVar variation 3375046 (VCV003375046.2).

ClinVar aggregate classification (germline): Uncertain significance. Review status: criteria provided, multiple submitters, no conflicts (2 of 4 stars). 2 submissions from 2 submitters: Uncertain significance (2). Last evaluated 2025-03-04.

Conditions:
BMP1-related disorder. Also called: BMP1-related condition.

gnomAD v4.1: 15 of 1,613,378 alleles (0.00093%); highest among the groups gnomAD compares: African/African-American, 0.0013%; no homozygotes.

Submissions (2):

PreventionGenetics, part of Exact Sciences
Classification: Uncertain significance for BMP1-related condition. Last evaluated: 2025-03-04. Review status: criteria provided, single submitter. Criteria: ACMG Guidelines, 2015. Collection method: clinical testing. Allele origin: germline.
Comment: The BMP1 c.1492G>A variant is predicted to result in the amino acid substitution p.Gly498Arg. This variant in the compound heterozygous or in the homozygous condition has been reported in two individuals with osteogenesis imperfect (Syx et al. 2015. PubMed ID: 25656619; Panigrahi et al. 2020. PubMed ID: 35186396). This variant is reported in 0.00088% of alleles in individuals of European (Non-Finnish) descent in gnomAD. Although we suspect that this variant may be pathogenic, at this time, the clinical significance of this variant is uncertain due to the absence of conclusive functional and genetic evidence.

Women's Health and Genetics/Laboratory Corporation of America, LabCorp
Classification: Uncertain significance. Last evaluated: 2024-09-04. Review status: criteria provided, single submitter. Criteria: LabCorp Variant Classification Summary - May 2015. Collection method: clinical testing. Allele origin: germline.
Comment: Variant summary: BMP1 c.1492G>A (p.Gly498Arg) results in a non-conservative amino acid change located in the CUB domain (IPR000859) of the encoded protein sequence. Four of five in-silico tools predict a damaging effect of the variant on protein function. The variant allele was found at a frequency of 4e-06 in 250342 control chromosomes. c.1492G>A has been reported in the literature in individuals affected with Osteogenesis Imperfecta as a compound heterozygous and homozygous genotype (e.g. Panigrahi_2022, Syx_2015). These data indicate that the variant may be associated with disease. One publication reports experimental evidence evaluating an impact on protein function, however, does not allow convincing conclusions about the variant effect (e.g. Syx_2015). The following publications have been ascertained in the context of this evaluation (PMID: 35186396, 25656619). No submitters have cited clinical-significance assessments for this variant to ClinVar. Based on the evidence outlined above, the variant was classified as VUS-possibly pathogenic.

Literature cited by the submitters: PubMed 25656619 (cited by Women's Health and Genetics/Laboratory Corporation of America, LabCorp); PubMed 35186396 (cited by Women's Health and Genetics/Laboratory Corporation of America, LabCorp).